The following is an entry in ClinVar:

ClinVar aggregate classification (germline): Pathogenic/Likely pathogenic. Review status: criteria provided, multiple submitters, no conflicts (2 of 4 stars). 7 submissions from 7 submitters: Pathogenic (3); Likely pathogenic (3). 1 of the submissions does not count toward it. Last evaluated 2024-11-28.

Conditions:
Fanconi anemia complementation group N. Also called: PALB2-Related Fanconi Anemia. Identifiers: Orphanet 84, MedGen C1835817, MONDO:0012565, OMIM 610832. Disease mechanism: loss of function.
Pancreatic cancer, susceptibility to, 3. Identifiers: Orphanet 1333, MedGen C3150547, MONDO:0013236, OMIM 613348.
Breast-ovarian cancer, familial, susceptibility to, 5 (BROVCA5). Identifiers: MedGen C5830615, MONDO:0957530, OMIM 620442.
Hereditary cancer-predisposing syndrome. Also called: Hereditary Cancer Syndrome; Neoplastic Syndromes, Hereditary; Tumor predisposition; Hereditary neoplastic syndrome. Identifiers: Orphanet 140162, MedGen C0027672, MeSH D009386, MONDO:0015356.
Familial cancer of breast. Also called: BREAST CANCER, FAMILIAL; Hereditary breast cancer; hereditary breast carcinoma. Identifiers: Orphanet 227535, MedGen C0346153, MONDO:0016419, OMIM 114480. Disease mechanism: loss of function.

Submissions (7):

Department of Pathology and Laboratory Medicine, Sinai Health System
Classification: Pathogenic for Fanconi anemia complementation group N; Pancreatic cancer, susceptibility to, 3; Breast-ovarian cancer, familial, susceptibility to, 5. Last evaluated: 2024-11-28. Review status: criteria provided, single submitter. Criteria: ACMG Guidelines, 2015. Collection method: clinical testing. Allele origin: germline.

Color Diagnostics, LLC DBA Color Health
Classification: Likely pathogenic for Hereditary cancer-predisposing syndrome. Last evaluated: 2024-04-30. Review status: criteria provided, single submitter. Criteria: ACMG Guidelines, 2015. Collection method: clinical testing. Allele origin: germline.
Comment: This variant causes a deletion of two coding nucleotides at the end of exon 7 and four intronic nucleotides at the donor site of intron 7. Splice site prediction tools suggest that this variant may have a significant impact on RNA splicing. A different variant, c.2748+2T>G, has been shown to cause the in-frame skipping of exon 7 (PMID: 30890586), which is predicted to delete 54 a.a. (p.Asn863_Glu916del) in the functionally important WD40 repeats domain (PMID: 24141787, 24485656). Therefore, this variant , c.2747_2748+4del, is expected to result in an absent or disrupted protein product. This variant has been detected in at least two individuals affected with ovarian or endometrial cancer and additional individuals affected with breast cancer (PMID: 31300551; Color internal data). This variant has not been identified in the general population by the Genome Aggregation Database (gnomAD). Loss of PALB2 function is a known mechanism of disease. Based on the available evidence, this variant is classified as Likely Pathogenic.

Ambry Genetics
Classification: Pathogenic for Hereditary cancer-predisposing syndrome. Last evaluated: 2023-10-16. Review status: criteria provided, single submitter. Criteria: Ambry Variant Classification Scheme 2023. Collection method: clinical testing. Allele origin: germline.
Comment: The c.2747_2748+4delAGGTAA mutation is a deletion beginning in coding exon 7 of the PALB2 gene and extending 4 nucleotides into intron 7. This results in the deletion of a total of 6 nucleotides, including the last 2 nucleotides of coding exon 7 and the splice donor site of intron 7. The deletion within coding exon 7 is predicted to cause a translational frameshift with an alternate stop codon. Since both frameshifts and alterations that disrupt the canonical splice site are expected to cause an abnormal protein or a transcript that is subject to nonsense-mediated mRNA decay, this alteration is classified as a disease-causing mutation.

Myriad Genetics, Inc.
Classification: Likely pathogenic for Familial cancer of breast. Last evaluated: 2023-09-13. Review status: criteria provided, single submitter. Criteria: Myriad Autosomal Dominant, Autosomal Recessive and X-Linked Classification Criteria (2023). Collection method: clinical testing. Allele origin: unknown.
Comment: This variant is considered likely pathogenic. This variant occurs within a consensus splice junction and is predicted to result in abnormal mRNA splicing of either an out-of-frame exon or an in-frame exon necessary for protein stability and/or normal function.

GeneKor MSA
Classification: Likely pathogenic. Last evaluated: 2020-01-01. Review status: criteria provided, single submitter. Criteria: ACMG Guidelines, 2015. Collection method: clinical testing. Allele origin: germline.
Comment: This is variation is a 6 nucleotide deletion. The deletion expands to the donor splice site in intron 7 of the PALB2. This mutation seems to activate a cryptic donor splice site, causing frameshift at codon 196. This results in a disrupted protein product. Truncating mutations in PALB2 are known to be pathogenic. The mutation database ClinVar contains entries for this variant (Variation ID: 187647).

Labcorp Genetics (formerly Invitae), Labcorp
Classification: Pathogenic for Familial cancer of breast. Last evaluated: 2019-12-31. Review status: criteria provided, single submitter. Criteria: Invitae Variant Classification Sherloc (09022015). Collection method: clinical testing. Allele origin: germline.
Comment: Loss-of-function variants in PALB2 are known to be pathogenic (PMID: 17200668, 24136930, 25099575). This variant has not been reported in the literature in individuals with PALB2-related conditions. ClinVar contains an entry for this variant (Variation ID: 187647). This variant results in the deletion of part of exon 7 (c.2747_2748+4del) of the PALB2 gene. It is expected to disrupt RNA splicing and likely results in an absent or disrupted protein product. For these reasons, this variant has been classified as Pathogenic.

Leiden Open Variation Database
Classification: Pathogenic. Last evaluated: 2019-12-23. Review status: no assertion criteria provided. Collection method: curation. Allele origin: germline. Affected: yes. Not counted in ClinVar's aggregate classification.
Comment: Curators: Marc Tischkowitz, Arleen D. Auerbach. Submitter to LOVD: Florentia Fostira.

Literature cited by the submitters: PubMed 24141787 (cited by Color Diagnostics, LLC DBA Color Health); PubMed 24485656 (cited by Color Diagnostics, LLC DBA Color Health); PubMed 30890586 (cited by Color Diagnostics, LLC DBA Color Health); PubMed 31300551 (cited by Color Diagnostics, LLC DBA Color Health and Leiden Open Variation Database); PubMed 17200668 (cited by Labcorp Genetics (formerly Invitae), Labcorp); PubMed 24136930 (cited by Labcorp Genetics (formerly Invitae), Labcorp); PubMed 25099575 (cited by Labcorp Genetics (formerly Invitae), Labcorp).

NM_024675.4(PALB2):c.2747_2748+4del

Gene: PALB2 (partner and localizer of BRCA2; minus strand). Cytogenetic location: 16p12.2.
Variant type: Deletion.
Coding change: c.2747_2748+4del on transcript NM_024675.4 (MANE Select); coding-DNA position 2747 through 4 bases into the intron after coding-DNA position 2748, 6 bases deleted (AGGTAA; older notation c.2747_2748+4delAGGTAA).
Molecular consequence: splice donor variant.
Genome position (GRCh38, 1-based): chr16:23,626,232-23,626,237, TTACCT deleted on the plus strand (AGGTAA on the coding strand, the reverse complement: PALB2 is on the minus strand). VCF-style (leftmost placement, unchanged base first): chr16-23626231-CTTACCT-C. GRCh37 (hg19) VCF-style: chr16-23637552-CTTACCT-C.
Other names: c.2747_2748+4delAGGTAA (NM_024675.3).
Identifiers: ClinVar variation 187647 (VCV000187647.19), dbSNP rs786203892, ClinGen allele CA198185.